The following is an entry in ClinVar:

NM_000306.4(POU1F1):c.143-64T>G

Gene: POU1F1 (POU class 1 homeobox 1; minus strand). Cytogenetic location: 3p11.2.
Variant type: single nucleotide variant.
Coding change: c.143-64T>G on transcript NM_000306.4 (MANE Select); 64 bases into the intron before coding-DNA position 143, T replaced by G.
Molecular consequence: intron variant. On other transcripts: missense variant (1).
Genome position (GRCh38, 1-based): chr3:87,273,482, A>C on the plus strand (T>G on the coding strand, the complement: POU1F1 is on the minus strand). VCF-style: chr3-87273482-A-C. GRCh37 (hg19) VCF-style: chr3-87322632-A-C.
Other names: c.157T>G, p.Ser53Ala (NM_001122757.3); short protein forms S53A.
Identifiers: ClinVar variation 424407 (VCV000424407.5), dbSNP rs1064796954, ClinGen allele CA16618011.

ClinVar aggregate classification (germline): Conflicting classifications of pathogenicity. Review status: criteria provided, conflicting classifications (1 of 4 stars). 3 submissions from 3 submitters: Likely pathogenic (1); Uncertain significance (1). 1 of the submissions does not count toward it. Last evaluated 2017-03-23.

Conditions:
Pituitary hormone deficiency, combined, 1 (CPHD1). Also called: Pituitary hormone deficiency, combined or isolated, 1. Identifiers: MedGen C2751608, MONDO:0024464, OMIM 613038.

Submissions (3):

GeneDx
Classification: Likely pathogenic. Last evaluated: 2017-03-23. Review status: criteria provided, single submitter. Criteria: GeneDx Variant Classification (06012015). Collection method: clinical testing. Allele origin: germline. Affected: yes.
Comment: The S53A variant, present in an alternate transcript of the POU1F1 gene, has not been reported previously as a pathogenic variant, nor as a benign variant, to our knowledge. The S53A variant is not observed in large population cohorts (Lek et al., 2016; 1000 Genomes Consortium et al., 2015; Exome Variant Server). The S53A variant is a non-conservative amino acid substitution, which is likely to impact secondary protein structure as these residues differ in polarity, charge, size and/or other properties. This substitution occurs at a position that is not conserved. In silico analysis is inconsistent in its predictions as to whether or not the variant is damaging to the protein structure/function. The S53A variant is a strong candidate for a pathogenic variant, however the possibility it may be a rare benign variant cannot be excluded.

Institute of Human Genetics, University of Leipzig Medical Center
Classification: Uncertain significance for Pituitary hormone deficiency, combined, 1. Last evaluated: 2016-08-19. Review status: criteria provided, single submitter. Criteria: ACMG Guidelines, 2015. Collection method: clinical testing. Allele origin: germline. Affected: yes. Observed: 1 variant allele.

OMIM
Classification: Pathogenic for PITUITARY HORMONE DEFICIENCY, COMBINED, 1. Last evaluated: 2024-10-10. Review status: no assertion criteria provided. Collection method: literature only. Allele origin: germline. Not counted in ClinVar's aggregate classification.

Literature cited by the submitters: PubMed 34270938 (cited by OMIM).